The following is an entry in ClinVar:

NM_001040142.2(SCN2A):c.4913G>C (p.Arg1638Pro)

Gene: SCN2A (sodium voltage-gated channel alpha subunit 2; plus strand). Cytogenetic location: 2q24.3.
Variant type: single nucleotide variant.
Coding change: c.4913G>C on transcript NM_001040142.2 (MANE Select); coding-DNA position 4913, G replaced by C.
Protein change: p.Arg1638Pro; replaces arginine 1638 with proline.
Molecular consequence: missense variant.
Genome position (GRCh38, 1-based): chr2:165,388,719, G>C. VCF-style: chr2-165388719-G-C. GRCh37 (hg19) VCF-style: chr2-166245229-G-C.
Other names: c.4913G>C, p.Arg1638Pro (NM_001040143.2, NM_001371246.1, NM_001371247.1 and 1 more transcripts); c.4913G>C (NM_021007.2); short protein forms R1638P.
Identifiers: ClinVar variation 1344839 (VCV001344839.3), dbSNP rs1702006258, ClinGen allele CA349037775.
Genomic context (GRCh38, chr2:165,388,719, plus strand): 5'-ATTTTGTGTCCCCTACCCTGTTCCGAGTGATCCGTCTTGCCAGGATTGGCCGAATCCTAC[G>C]TCTGATCAAAGGAGCAAAGGGGATCCGCACGCTGCTCTTTGCTTTGATGATGTCCCTTCC-3'
Protein context (NP_001035232.1, residues 1628-1648): IRLARIGRIL[Arg1638Pro]LIKGAKGIRT

ClinVar aggregate classification (germline): Pathogenic/Likely pathogenic. Review status: criteria provided, multiple submitters, no conflicts (2 of 4 stars). 3 submissions from 3 submitters: Pathogenic (1); Likely pathogenic (1). 1 of the submissions does not count toward it. Last evaluated 2023-04-26.

Conditions:
Seizures, benign familial infantile, 3 (BFIS3). Also called: CONVULSIONS, BENIGN FAMILIAL INFANTILE, 3; Familial neonatal seizures. Identifiers: Orphanet 140927, Orphanet 306, MedGen C1843140, MONDO:0011904, OMIM 607745.
SCN2A-related disorder. Also called: SCN2A-related condition; SCN2A-related disorders. Identifiers: MedGen CN382226, MONDO:1060245.
Seizure. Also called: Seizures. Identifiers: MedGen C0036572, HP:0001250.

Submissions (3):

PreventionGenetics, part of Exact Sciences
Classification: Likely pathogenic for SCN2A-related condition. Last evaluated: 2023-04-26. Review status: criteria provided, single submitter. Criteria: ACMG Guidelines, 2015. Collection method: clinical testing. Allele origin: germline.
Comment: The SCN2A c.4913G>C variant is predicted to result in the amino acid substitution p.Arg1638Pro. This variant was reported as de novo in at least two individuals with polymicrogyria and epilepsy (Epi4K Consortioum 2021. PubMed ID: 33818783 Table S2; PreventionGenetics Internal Data). This variant has not been reported in a large population database, indicating this variant is rare. This variant is interpreted as likely pathogenic.

Mendelics
Classification: Pathogenic for Seizures, benign familial infantile, 3. Last evaluated: 2022-05-04. Review status: criteria provided, single submitter. Criteria: Mendelics Assertion Criteria 2019. Collection method: clinical testing. Allele origin: germline.

Yale Center for Mendelian Genomics, Yale University
Classification: Likely pathogenic for Seizure. Last evaluated: 2021-04-05. Review status: no assertion criteria provided. Collection method: literature only. Allele origin: de novo. Affected: yes. Observed: 1 heterozygote. Study: Yale Center for Mendelian Genomics. Not counted in ClinVar's aggregate classification.

Literature cited by the submitters: PubMed 33818783 (cited by Yale Center for Mendelian Genomics, Yale University).